The following is an entry in ClinVar:

NM_198252.3(GSN):c.1153C>T (p.Gln385Ter)

Gene: GSN (gelsolin; plus strand). Cytogenetic location: 9q33.2.
Variant type: single nucleotide variant.
Coding change: c.1153C>T on transcript NM_198252.3 (MANE Select); coding-DNA position 1153, C replaced by T.
Protein change: p.Gln385Ter; replaces glutamine 385 with a stop codon.
Molecular consequence: nonsense.
Genome position (GRCh38, 1-based): chr9:121,318,842, C>T. VCF-style: chr9-121318842-C-T. GRCh37 (hg19) VCF-style: chr9-124081120-C-T.
Other names: c.1306C>T, p.Gln436Ter (NM_000177.5); c.1153C>T, p.Gln385Ter (NM_001127662.2, NM_001127664.2, NM_001127665.2 and 10 more transcripts); c.1261C>T, p.Gln421Ter (NM_001127663.2); c.1186C>T, p.Gln396Ter (NM_001127666.2, NM_001127667.2, NM_001353070.2 and 13 more transcripts); c.1204C>T, p.Gln402Ter (NM_001258029.2); c.1177C>T, p.Gln393Ter (NM_001258030.2); c.1225C>T, p.Gln409Ter (NM_001353076.2); c.499C>T, p.Gln167Ter (NM_001353078.2); short protein forms Q396*, Q402*, Q385*, Q167*, Q393*, Q409*, Q421*, Q436*.
Identifiers: ClinVar variation 2814384 (VCV002814384.3), dbSNP rs774557384, ClinGen allele CA5221154.

ClinVar aggregate classification (germline): Uncertain significance (1 of 4 stars; one submission).

Allele frequency attached by ClinVar (database versions not stated): gnomAD exomes below 0.00001; ExAC 0.00001.
gnomAD v4.1: 2 of 1,614,116 alleles (0.00012%); highest among the groups gnomAD compares: Non-Finnish European, 0.00017%; no homozygotes.

Submission:

Labcorp Genetics (formerly Invitae), Labcorp
Classification: Uncertain significance. Last evaluated: 2024-11-03. Review status: criteria provided, single submitter. Criteria: Invitae Variant Classification Sherloc (09022015). Collection method: clinical testing. Allele origin: germline.
Comment: This sequence change creates a premature translational stop signal (p.Gln436*) in the GSN gene. It is expected to result in an absent or disrupted protein product. However, the current clinical and genetic evidence is not sufficient to establish whether loss-of-function variants in GSN cause disease. This variant is present in population databases (rs774557384, gnomAD 0.002%). This variant has not been reported in the literature in individuals affected with GSN-related conditions. ClinVar contains an entry for this variant (Variation ID: 2814384). In summary, the available evidence is currently insufficient to determine the role of this variant in disease. Therefore, it has been classified as a Variant of Uncertain Significance.